The following is an entry in ClinVar:

NM_018139.3(DNAAF2):c.332G>C (p.Arg111Pro)

Gene: DNAAF2 (dynein axonemal assembly factor 2; minus strand). Cytogenetic location: 14q21.3.
Variant type: single nucleotide variant.
Coding change: c.332G>C on transcript NM_018139.3 (MANE Select); coding-DNA position 332, G replaced by C.
Protein change: p.Arg111Pro; replaces arginine 111 with proline.
Molecular consequence: missense variant.
Genome position (GRCh38, 1-based): chr14:49,634,818, C>G on the plus strand (G>C on the coding strand, the complement: DNAAF2 is on the minus strand). VCF-style: chr14-49634818-C-G. GRCh37 (hg19) VCF-style: chr14-50101536-C-G.
Other names: c.332G>C, p.Arg111Pro (NM_001083908.2); short protein forms R111P.
Identifiers: ClinVar variation 313288 (VCV000313288.15), dbSNP rs549781788, ClinGen allele CA7173130.

ClinVar aggregate classification (germline): Uncertain significance. Review status: criteria provided, multiple submitters, no conflicts (2 of 4 stars). 5 submissions from 5 submitters: Uncertain significance (5). Last evaluated 2023-09-14.

Conditions:
Primary ciliary dyskinesia. Also called: Ciliary dyskinesia. Identifiers: Orphanet 244, MedGen C0008780, MONDO:0016575, HP:0012265.
Primary ciliary dyskinesia 10. Also called: CILIARY DYSKINESIA, PRIMARY, 10, WITH OR WITHOUT SITUS INVERSUS. Identifiers: Orphanet 244, MedGen C2675867, MONDO:0012918, OMIM 612518.

Allele frequency attached by ClinVar (database versions not stated): gnomAD exomes 0.00010; ExAC 0.00014; TOPMed 0.00015; 1000 Genomes Project 30x 0.00016; gnomAD 0.00019; 1000 Genomes Project 0.00020.
gnomAD v4.1: 280 of 1,547,820 alleles (0.018%); highest among the groups gnomAD compares: Non-Finnish European, 0.023%; no homozygotes.

Submissions (5):

Blueprint Genetics
Classification: Uncertain significance. Last evaluated: 2023-09-14. Review status: criteria provided, single submitter. Criteria: ACMG Guidelines, 2015. Collection method: clinical testing. Allele origin: germline.

Labcorp Genetics (formerly Invitae), Labcorp
Classification: Uncertain significance for Primary ciliary dyskinesia. Last evaluated: 2022-06-23. Review status: criteria provided, single submitter. Criteria: Invitae Variant Classification Sherloc (09022015). Collection method: clinical testing. Allele origin: germline.
Comment: This sequence change replaces arginine, which is basic and polar, with proline, which is neutral and non-polar, at codon 111 of the DNAAF2 protein (p.Arg111Pro). This variant is present in population databases (rs549781788, gnomAD 0.04%). This variant has not been reported in the literature in individuals affected with DNAAF2-related conditions. ClinVar contains an entry for this variant (Variation ID: 313288). Algorithms developed to predict the effect of missense changes on protein structure and function (SIFT, PolyPhen-2, Align-GVGD) all suggest that this variant is likely to be tolerated. In summary, the available evidence is currently insufficient to determine the role of this variant in disease. Therefore, it has been classified as a Variant of Uncertain Significance.

Eurofins Ntd Llc (ga)
Classification: Uncertain significance. Last evaluated: 2018-06-11. Review status: criteria provided, single submitter. Criteria: EGL ClinVar v180209 classification definitions. Collection method: clinical testing. Allele origin: germline. Observed: 1 variant allele, 1 heterozygote.

UNC Molecular Genetics  Laboratory, University of North Carolina at Chapel Hill
Classification: Uncertain significance for Primary ciliary dyskinesia. Last evaluated: 2018-05-30. Review status: criteria provided, single submitter. Criteria: ACMG Guidelines, 2015. Collection method: clinical testing. Allele origin: germline. Observed: 1 heterozygote.

Illumina Laboratory Services, Illumina
Classification: Uncertain significance for Primary ciliary dyskinesia 10. Last evaluated: 2018-01-13. Review status: criteria provided, single submitter. Criteria: ICSL Variant Classification Criteria 13 December 2019. Collection method: clinical testing. Allele origin: germline.